The following is an entry in ClinVar:

ClinVar aggregate classification (germline): Uncertain significance (1 of 4 stars; one submission).

Allele frequency attached by ClinVar (database versions not stated): gnomAD 0.00001; gnomAD exomes 0.00001; TOPMed 0.00002.
gnomAD v4.1: 22 of 1,609,162 alleles (0.0014%); highest among the groups gnomAD compares: Middle Eastern, 0.033%; no homozygotes.

Submission:

Labcorp Genetics (formerly Invitae), Labcorp
Classification: Uncertain significance. Last evaluated: 2022-05-13. Review status: criteria provided, single submitter. Criteria: Invitae Variant Classification Sherloc (09022015). Collection method: clinical testing. Allele origin: germline.
Comment: This sequence change replaces glycine, which is neutral and non-polar, with arginine, which is basic and polar, at codon 288 of the MPDZ protein (p.Gly288Arg). This variant is not present in population databases (gnomAD no frequency). This variant has not been reported in the literature in individuals affected with MPDZ-related conditions. Algorithms developed to predict the effect of missense changes on protein structure and function (SIFT, PolyPhen-2, Align-GVGD) all suggest that this variant is likely to be disruptive. In summary, the available evidence is currently insufficient to determine the role of this variant in disease. Therefore, it has been classified as a Variant of Uncertain Significance.

NM_001378778.1(MPDZ):c.862G>A (p.Gly288Arg)

Gene: MPDZ (multiple PDZ domain crumbs cell polarity complex component; minus strand). Cytogenetic location: 9p23.
Variant type: single nucleotide variant.
Coding change: c.862G>A on transcript NM_001378778.1 (MANE Select); coding-DNA position 862, G replaced by A.
Protein change: p.Gly288Arg; replaces glycine 288 with arginine.
Molecular consequence: missense variant.
Genome position (GRCh38, 1-based): chr9:13,221,386, C>T on the plus strand (G>A on the coding strand, the complement: MPDZ is on the minus strand). VCF-style: chr9-13221386-C-T. GRCh37 (hg19) VCF-style: chr9-13221385-C-T.
Other names: c.862G>A, p.Gly288Arg (NM_001261406.2, NM_001261407.2, NM_001330637.2 and 14 more transcripts); short protein forms G288R.
Identifiers: ClinVar variation 1928261 (VCV001928261.2), dbSNP rs1959075774, ClinGen allele CA372946253.
Genomic context (GRCh38, chr9:13,221,386, plus strand): 5'-ATATTATTTGATAAAATAGCATAAAAGATCTATTGATGTAGCCTACCTGATCAGCTACTC[C>T]TCCAGGCAGAATGGTTTTTACTATCACACCAGTTGCTTTTCCTCCTATGATGCCAAATCC-3'
Protein context (NP_001365707.1, residues 278-298): GVIVKTILPG[Gly288Arg]VADQHGRLCS